The following is an entry in ClinVar:

ClinVar aggregate classification (germline): Conflicting classifications of pathogenicity. Review status: criteria provided, conflicting classifications (1 of 4 stars). 4 submissions from 4 submitters: Uncertain significance (3); Likely benign (1). Last evaluated 2026-06-05.

Conditions:
Von Hippel-Lindau syndrome (VHLS). Also called: VHL syndrome; von Hippel–Lindau syndrome; Von Hippel-Lindau. Identifiers: Orphanet 892, MedGen C0019562, MONDO:0008667, OMIM 193300. Disease mechanism: loss of function.
Chuvash polycythemia. Also called: POLYCYTHEMIA, VHL-DEPENDENT. Identifiers: Orphanet 238557, MedGen C1837915, MONDO:0009892, OMIM 263400.
Hereditary cancer-predisposing syndrome. Also called: Tumor predisposition; Hereditary neoplastic syndrome; Neoplastic Syndromes, Hereditary; Hereditary Cancer Syndrome. Identifiers: Orphanet 140162, MedGen C0027672, MeSH D009386, MONDO:0015356.

Allele frequency attached by ClinVar (database versions not stated): gnomAD exomes 0.00001.
gnomAD v4.1: 18 of 1,532,744 alleles (0.0012%); highest among the groups gnomAD compares: Non-Finnish European, 0.0016%; no homozygotes.

Submissions (4):

Ambry Genetics
Classification: Likely benign for Hereditary cancer-predisposing syndrome. Last evaluated: 2026-06-05. Review status: criteria provided, single submitter. Criteria: Ambry Variant Classification Scheme 2023. Collection method: clinical testing. Allele origin: germline.

Labcorp Genetics (formerly Invitae), Labcorp
Classification: Uncertain significance for Von Hippel-Lindau syndrome; Chuvash polycythemia. Last evaluated: 2025-12-24. Review status: criteria provided, single submitter. Criteria: Invitae Variant Classification Sherloc (09022015). Collection method: clinical testing. Allele origin: germline.
Comment: This sequence change replaces valine, which is neutral and non-polar, with glycine, which is neutral and non-polar, at codon 13 of the VHL protein (p.Val13Gly). The frequency data for this variant in the population databases is considered unreliable, as metrics indicate poor data quality at this position in the gnomAD database. This variant has not been reported in the literature in individuals affected with VHL-related conditions. ClinVar contains an entry for this variant (Variation ID: 526680). Invitae Evidence Modeling of protein sequence and biophysical properties (such as structural, functional, and spatial information, amino acid conservation, physicochemical variation, residue mobility, and thermodynamic stability) indicates that this missense variant is not expected to disrupt VHL protein function with a negative predictive value of 95%. In summary, the available evidence is currently insufficient to determine the role of this variant in disease. Therefore, it has been classified as a Variant of Uncertain Significance.

GeneDx
Classification: Uncertain significance. Last evaluated: 2024-05-28. Review status: criteria provided, single submitter. Criteria: GeneDx Variant Classification Process June 2021. Collection method: clinical testing. Allele origin: germline. Affected: yes.
Comment: Not observed at significant frequency in large population cohorts (gnomAD); In silico analysis indicates that this missense variant does not alter protein structure/function; Has not been previously published as pathogenic or benign to our knowledge

All of Us Research Program, National Institutes of Health
Classification: Uncertain significance for Von Hippel-Lindau syndrome. Last evaluated: 2023-05-30. Review status: criteria provided, single submitter. Criteria: ACMG Guidelines, 2015. Collection method: clinical testing. Allele origin: germline. Inheritance: Autosomal dominant inheritance. Observed: 1 variant allele, 1 heterozygote.
Comment: This missense variant replaces valine with glycine at codon 13 of the VHL protein. Computational prediction suggests that this variant may not impact protein structure and function (internally defined REVEL score threshold <= 0.5, PMID: 27666373). To our knowledge, functional studies have not been reported for this variant. This variant has not been reported in individuals affected with VHL-related disorders in the literature. This variant has been identified in 1/140268 chromosomes in the general population by the Genome Aggregation Database (gnomAD). The available evidence is insufficient to determine the role of this variant in disease conclusively. Therefore, this variant is classified as a Variant of Uncertain Significance.

This study involves interpretation of variants in research participants for the purpose of population health screening. Participant phenotype was not available at the time of variant classification. Additional details can be found in publication PMID: 35346344, PMCID: PMC8962531

NM_000551.4(VHL):c.38T>G (p.Val13Gly)

Gene: VHL (von Hippel-Lindau tumor suppressor; plus strand). Cytogenetic location: 3p25.3.
Variant type: single nucleotide variant.
Coding change: c.38T>G on transcript NM_000551.4 (MANE Select); coding-DNA position 38, T replaced by G.
Protein change: p.Val13Gly; replaces valine 13 with glycine.
Molecular consequence: missense variant.
Genome position (GRCh38, 1-based): chr3:10,141,885, T>G. VCF-style: chr3-10141885-T-G. GRCh37 (hg19) VCF-style: chr3-10183569-T-G.
Other names: c.38T>G, p.Val13Gly (NM_001354723.2, NM_198156.3); short protein forms V13G.
Identifiers: ClinVar variation 526680 (VCV000526680.14), dbSNP rs1553619289, ClinGen allele CA351747163.
Genomic context (GRCh38, chr3:10,141,885, plus strand): 5'-GGGTGGTCTGGATCGCGGAGGGAATGCCCCGGAGGGCGGAGAACTGGGACGAGGCCGAGG[T>G]AGGCGCGGAGGAGGCAGGCGTCGAAGAGTACGGCCCTGAAGAAGACGGCGGGGAGGAGTC-3'
Protein context (NP_000542.1, residues 3-23): RRAENWDEAE[Val13Gly]GAEEAGVEEY